The following is an entry in ClinVar:

NM_003998.4(NFKB1):c.122A>G (p.Asp41Gly)

Gene: NFKB1 (nuclear factor kappa B subunit 1; plus strand). Cytogenetic location: 4q24.
Variant type: single nucleotide variant.
Coding change: c.122A>G on transcript NM_003998.4 (MANE Select); coding-DNA position 122, A replaced by G.
Protein change: p.Asp41Gly; replaces aspartic acid 41 with glycine.
Molecular consequence: missense variant.
Genome position (GRCh38, 1-based): chr4:102,533,848, A>G. VCF-style: chr4-102533848-A-G. GRCh37 (hg19) VCF-style: chr4-103455005-A-G.
Other names: c.119A>G, p.Asp40Gly (NM_001165412.2, NM_001319226.2, NM_001382627.1); c.122A>G, p.Asp41Gly (NM_001382625.1, NM_001382626.1); c.80A>G, p.Asp27Gly (NM_001382628.1); short protein forms D40G, D41G, D27G.
Identifiers: ClinVar variation 2042890 (VCV002042890.4), dbSNP rs1183827374, ClinGen allele CA357957497.

ClinVar aggregate classification (germline): Uncertain significance (1 of 4 stars; one submission).

Allele frequency attached by ClinVar (database versions not stated): gnomAD exomes below 0.00001; TOPMed 0.00001.
gnomAD v4.1: 2 of 1,611,904 alleles (0.00012%); highest among the groups gnomAD compares: African/African-American, 0.0027%; no homozygotes.

Submission:

Labcorp Genetics (formerly Invitae), Labcorp
Classification: Uncertain significance. Last evaluated: 2024-03-16. Review status: criteria provided, single submitter. Criteria: Invitae Variant Classification Sherloc (09022015). Collection method: clinical testing. Allele origin: germline.
Comment: This sequence change replaces aspartic acid, which is acidic and polar, with glycine, which is neutral and non-polar, at codon 41 of the NFKB1 protein (p.Asp41Gly). This variant is present in population databases (no rsID available, gnomAD 0.007%). This variant has not been reported in the literature in individuals affected with NFKB1-related conditions. ClinVar contains an entry for this variant (Variation ID: 2042890). Advanced modeling of protein sequence and biophysical properties (such as structural, functional, and spatial information, amino acid conservation, physicochemical variation, residue mobility, and thermodynamic stability) performed at Invitae indicates that this missense variant is not expected to disrupt NFKB1 protein function with a negative predictive value of 80%. In summary, the available evidence is currently insufficient to determine the role of this variant in disease. Therefore, it has been classified as a Variant of Uncertain Significance.